The following is an entry in ClinVar:

NM_177433.3(MAGED2):c.787C>T (p.Gln263Ter)

Gene: MAGED2 (MAGE family member D2; plus strand). Cytogenetic location: Xp11.21.
Variant type: single nucleotide variant.
Coding change: c.787C>T on transcript NM_177433.3 (MANE Select); coding-DNA position 787, C replaced by T.
Protein change: p.Gln263Ter; replaces glutamine 263 with a stop codon.
Molecular consequence: nonsense.
Genome position (GRCh38, 1-based): chrX:54,811,070, C>T. VCF-style: chrX-54811070-C-T. GRCh37 (hg19) VCF-style: chrX-54837503-C-T.
Other names: c.787C>T, p.Gln263Ter (NM_014599.6, NM_201222.3); short protein forms Q263*.
Identifiers: ClinVar variation 5019782 (VCV005019782.1).

ClinVar aggregate classification (germline): Likely pathogenic (1 of 4 stars; one submission).

Conditions:
Bartter disease type 5. Also called: Bartter syndrome, type 5, antenatal, transient. Identifiers: Orphanet 112, Orphanet 570371, MedGen C4310820, MONDO:0010503, OMIM 300971.

Submission:

Juno Genomics, Hangzhou Juno Genomics, Inc
Classification: Likely pathogenic for Bartter disease type 5. Review status: criteria provided, single submitter. Criteria: ACMG Guidelines, 2015. Collection method: clinical testing. Allele origin: germline. Affected: yes.
Comment: Absent from controls (or at extremely low frequency if recessive) in Genome Aggregation Database.;Null variant in a gene where loss of function (LOF) is a known mechanism of disease.